The following is an entry in ClinVar:

ClinVar aggregate classification (germline): Uncertain significance (1 of 4 stars; one submission).

Conditions:
Cardiovascular phenotype. Identifiers: MedGen CN230736.

gnomAD v4.1: 1 of 1,614,116 alleles (0.000062%); highest among the groups gnomAD compares: South Asian, 0.0011%; no homozygotes.

Submission:

Ambry Genetics
Classification: Uncertain significance for Cardiovascular phenotype. Last evaluated: 2024-07-14. Review status: criteria provided, single submitter. Criteria: Ambry Variant Classification Scheme 2023. Collection method: clinical testing. Allele origin: germline.
Comment: The p.L1319S variant (also known as c.3956T>C), located in coding exon 23 of the SOS2 gene, results from a T to C substitution at nucleotide position 3956. The leucine at codon 1319 is replaced by serine, an amino acid with dissimilar properties. This amino acid position is conserved. In addition, this alteration is predicted to be tolerated by in silico analysis. Based on the available evidence, the clinical significance of this variant remains unclear.

NM_006939.4(SOS2):c.3956T>C (p.Leu1319Ser)

Gene: SOS2 (SOS Ras/Rho guanine nucleotide exchange factor 2; minus strand). Cytogenetic location: 14q21.3.
Variant type: single nucleotide variant.
Coding change: c.3956T>C on transcript NM_006939.4 (MANE Select); coding-DNA position 3956, T replaced by C.
Protein change: p.Leu1319Ser; replaces leucine 1319 with serine.
Molecular consequence: missense variant.
Genome position (GRCh38, 1-based): chr14:50,118,387, A>G on the plus strand (T>C on the coding strand, the complement: SOS2 is on the minus strand). VCF-style: chr14-50118387-A-G. GRCh37 (hg19) VCF-style: chr14-50585105-A-G.
Other names: c.3857T>C, p.Leu1286Ser (NM_001411020.1); short protein forms L1319S, L1286S.
Identifiers: ClinVar variation 3447358 (VCV003447358.1).
Genomic context (GRCh38, chr14:50,118,387, plus strand): 5'-ACTACATATGGCTAAGGTCATTGGGGAGTTTCTGCATTTTCTAGCAAAGGCAGTCTGTAC[A>G]ATGGGGGGTGCGAAAGCTCCCGTTTGTAAGTCTTTGGTGGCAGTTTTGGCAGATGAGGGC-3'
Protein context (NP_008870.2, residues 1309-1329): TYKRELSHPP[Leu1319Ser]YRLPLLENAE